The following is an entry in ClinVar:

NM_006015.6(ARID1A):c.6730G>T (p.Val2244Leu)

Gene: ARID1A (AT-rich interaction domain 1A; plus strand). Cytogenetic location: 1p36.11.
Variant type: single nucleotide variant.
Coding change: c.6730G>T on transcript NM_006015.6 (MANE Select); coding-DNA position 6730, G replaced by T.
Protein change: p.Val2244Leu; replaces valine 2244 with leucine.
Molecular consequence: missense variant.
Genome position (GRCh38, 1-based): chr1:26,780,628, G>T. VCF-style: chr1-26780628-G-T. GRCh37 (hg19) VCF-style: chr1-27107119-G-T.
Other names: c.6079G>T, p.Val2027Leu (NM_139135.4); short protein forms V2027L, V2244L.
Identifiers: ClinVar variation 1203819 (VCV001203819.10), dbSNP rs372878743, ClinGen allele CA707890.

ClinVar aggregate classification (germline): Conflicting classifications of pathogenicity. Review status: criteria provided, conflicting classifications (1 of 4 stars). 4 submissions from 4 submitters: Uncertain significance (1); Likely benign (3). Last evaluated 2025-04-29.

Conditions:
Inborn genetic diseases. Identifiers: MedGen C0950123, MeSH D030342.

Allele frequency attached by ClinVar (database versions not stated): gnomAD exomes 0.00002; ExAC 0.00004; gnomAD 0.00004; TOPMed 0.00005; ESP Exome Variant Server 0.00015.
gnomAD v4.1: 38 of 1,613,012 alleles (0.0024%); highest among the groups gnomAD compares: African/African-American, 0.004%; no homozygotes.

Submissions (4):

Ambry Genetics
Classification: Likely benign for Inborn genetic diseases. Last evaluated: 2025-04-29. Review status: criteria provided, single submitter. Criteria: Ambry Variant Classification Scheme 2023. Collection method: clinical testing. Allele origin: germline.

Labcorp Genetics (formerly Invitae), Labcorp
Classification: Uncertain significance. Last evaluated: 2025-02-26. Review status: criteria provided, single submitter. Criteria: Invitae Variant Classification Sherloc (09022015). Collection method: clinical testing. Allele origin: germline.
Comment: This sequence change replaces valine, which is neutral and non-polar, with leucine, which is neutral and non-polar, at codon 2244 of the ARID1A protein (p.Val2244Leu). This variant is present in population databases (rs372878743, gnomAD 0.005%). This variant has not been reported in the literature in individuals affected with ARID1A-related conditions. ClinVar contains an entry for this variant (Variation ID: 1203819). Invitae Evidence Modeling of protein sequence and biophysical properties (such as structural, functional, and spatial information, amino acid conservation, physicochemical variation, residue mobility, and thermodynamic stability) indicates that this missense variant is expected to disrupt ARID1A protein function with a positive predictive value of 80%. In summary, the available evidence is currently insufficient to determine the role of this variant in disease. Therefore, it has been classified as a Variant of Uncertain Significance.

Blueprint Genetics
Classification: Likely benign. Last evaluated: 2024-10-28. Review status: criteria provided, single submitter. Criteria: ACMG Guidelines, 2015. Collection method: clinical testing. Allele origin: germline.

GeneDx
Classification: Likely benign. Last evaluated: 2020-07-10. Review status: criteria provided, single submitter. Criteria: GeneDx Variant Classification Process June 2021. Collection method: clinical testing. Allele origin: germline. Affected: yes.